The following is an entry in ClinVar:

ClinVar aggregate classification (germline): Pathogenic (1 of 4 stars; one submission).

Conditions:
Kabuki syndrome. Also called: Kabuki make-up syndrome; NIIKAWA-KUROKI SYNDROME. Identifiers: Orphanet 2322, MedGen C0796004, MONDO:0016512.

Submission:

Labcorp Genetics (formerly Invitae), Labcorp
Classification: Pathogenic for Kabuki syndrome. Last evaluated: 2024-05-29. Review status: criteria provided, single submitter. Criteria: Invitae Variant Classification Sherloc (09022015). Collection method: clinical testing. Allele origin: germline.
Comment: This sequence change affects a donor splice site in intron 20 of the KMT2D gene. It is expected to disrupt RNA splicing. Variants that disrupt the donor or acceptor splice site typically lead to a loss of protein function (PMID: 16199547), and loss-of-function variants in KMT2D are known to be pathogenic (PMID: 22126750). This variant is not present in population databases (gnomAD no frequency). Disruption of this splice site has been observed in individual(s) with clinical features of KMT2D-related conditions (Invitae). Algorithms developed to predict the effect of sequence changes on RNA splicing suggest that this variant may disrupt the consensus splice site. For these reasons, this variant has been classified as Pathogenic.

Literature cited by the submitters: PubMed 16199547; PubMed 22126750.

NM_003482.4(KMT2D):c.5083+1G>A

Gene: KMT2D (lysine methyltransferase 2D; minus strand). Cytogenetic location: 12q13.12.
Variant type: single nucleotide variant.
Coding change: c.5083+1G>A on transcript NM_003482.4 (MANE Select); the canonical splice donor site of the intron after coding-DNA position 5083, G replaced by A.
Molecular consequence: splice donor variant.
Genome position (GRCh38, 1-based): chr12:49,044,402, C>T on the plus strand (G>A on the coding strand, the complement: KMT2D is on the minus strand). VCF-style: chr12-49044402-C-T. GRCh37 (hg19) VCF-style: chr12-49438185-C-T.
Identifiers: ClinVar variation 3627032 (VCV003627032.2).